The following is an entry in ClinVar:

NM_138773.4(SLC25A46):c.564-107A>G

Gene: SLC25A46 (solute carrier family 25 member 46; plus strand). Cytogenetic location: 5q22.1.
Variant type: single nucleotide variant.
Coding change: c.564-107A>G on transcript NM_138773.4 (MANE Select); 107 bases into the intron before coding-DNA position 564, A replaced by G.
Molecular consequence: intron variant.
Genome position (GRCh38, 1-based): chr5:110,755,358, A>G. VCF-style: chr5-110755358-A-G. GRCh37 (hg19) VCF-style: chr5-110091058-A-G.
Other names: c.291-107A>G (NM_001303250.3); c.564-107A>G (NM_001303249.3).
Identifiers: ClinVar variation 671599 (VCV000671599.1), dbSNP rs3213937, ClinGen allele CA15387019.
Genomic context (GRCh38, chr5:110,755,358, plus strand): 5'-AGTTGTTTACACTGTGTTCTAGAAAAGAAAATGTTCACCATTAGAATATATTTCTCCTAC[A>G]GATTGAAAAAAATTAGAAGTTGATTACTGTTTTGAAAATTGGGCTAATTCCAGATGTTTT-3'

ClinVar aggregate classification (germline): Benign (1 of 4 stars; one submission).

Allele frequency attached by ClinVar (database versions not stated): gnomAD exomes 0.04744; gnomAD 0.05900 and 0.06091; TOPMed 0.07341; 1000 Genomes Project 30x 0.11009; 1000 Genomes Project 0.11062.
gnomAD v4.1: 34,212 of 674,662 alleles (5.1%); highest among the groups gnomAD compares: East Asian, 27%; 2,287 homozygotes.

Submission:

GeneDx
Classification: Benign. Last evaluated: 2018-06-19. Review status: criteria provided, single submitter. Criteria: GeneDx Variant Classification (06012015). Collection method: clinical testing. Allele origin: germline. Affected: yes.
Comment: This variant is considered likely benign or benign based on one or more of the following criteria: it is a conservative change, it occurs at a poorly conserved position in the protein, it is predicted to be benign by multiple in silico algorithms, and/or has population frequency not consistent with disease.